The following is an entry in ClinVar:

ClinVar aggregate classification (germline): Uncertain significance. Review status: criteria provided, multiple submitters, no conflicts (2 of 4 stars). 7 submissions from 7 submitters: Uncertain significance (7). Last evaluated 2025-03-28.

Conditions:
Hereditary cancer-predisposing syndrome. Also called: Hereditary neoplastic syndrome; Neoplastic Syndromes, Hereditary; Tumor predisposition; Hereditary Cancer Syndrome. Identifiers: Orphanet 140162, MedGen C0027672, MeSH D009386, MONDO:0015356.
Familial cancer of breast. Also called: Hereditary breast cancer; BREAST CANCER, FAMILIAL; hereditary breast carcinoma. Identifiers: Orphanet 227535, MedGen C0346153, MONDO:0016419, OMIM 114480. Disease mechanism: loss of function.

Submissions (7):

Ambry Genetics
Classification: Uncertain significance for Hereditary cancer-predisposing syndrome. Last evaluated: 2025-03-28. Review status: criteria provided, single submitter. Criteria: Ambry Variant Classification Scheme 2023. Collection method: clinical testing. Allele origin: germline.
Comment: The c.282_291del10insT variant (also known as p.L95_I97del), located in coding exon 3 of the BARD1 gene, results from an in-frame deletion of 10 nucleotides and insertion of T at nucleotide positions 282 to 291. This results in the in-frame deletion of three residues (LKI) from codon 95 to 97. These amino acid positions are generally well conserved in available vertebrate species. In addition, this alteration is predicted to be deleterious by in silico analysis (Choi Y et al. PLoS ONE. 2012; 7(10):e46688). Based on the available evidence, the clinical significance of this variant remains unclear.

GeneDx
Classification: Uncertain significance. Last evaluated: 2024-12-17. Review status: criteria provided, single submitter. Criteria: GeneDx Variant Classification Process June 2021. Collection method: clinical testing. Allele origin: germline. Affected: yes.
Comment: In-frame deletion of three amino acids in a non-repeat region; Not observed at significant frequency in large population cohorts (gnomAD); In silico analysis indicates that this variant does not alter protein structure/function; Has not been previously published as pathogenic or benign to our knowledge; This variant is associated with the following publications: (PMID: 18480049)

Color Diagnostics, LLC DBA Color Health
Classification: Uncertain significance for Hereditary cancer-predisposing syndrome. Last evaluated: 2024-09-16. Review status: criteria provided, single submitter. Criteria: ACMG Guidelines, 2015. Collection method: clinical testing. Allele origin: germline.
Comment: This variant causes an in-frame deletion of three amino acids in exon 3 of the BARD1 protein. Splice site prediction tools suggest that this variant may not impact RNA splicing. To our knowledge, functional studies have not been reported for this variant. This variant has not been reported in individuals affected with hereditary cancer in the literature. This variant has not been identified in the general population by the Genome Aggregation Database (gnomAD). The available evidence is insufficient to determine the role of this variant in disease conclusively. Therefore, this variant is classified as a Variant of Uncertain Significance.

Fulgent Genetics
Classification: Uncertain significance for Familial cancer of breast. Last evaluated: 2024-01-23. Review status: criteria provided, single submitter. Criteria: ACMG Guidelines, 2015. Collection method: clinical testing. Allele origin: germline.

Women's Health and Genetics/Laboratory Corporation of America, LabCorp
Classification: Uncertain significance. Last evaluated: 2022-10-31. Review status: criteria provided, single submitter. Criteria: LabCorp Variant Classification Summary - May 2015. Collection method: clinical testing. Allele origin: germline.
Comment: Variant summary: BARD1 c.282_291delinsT (p.Leu95_Ile97del) results in an in-frame deletion that is predicted to remove three amino acids from the encoded protein. The variant was absent in 251182 control chromosomes. The available data on variant occurrences in the general population are insufficient to allow any conclusion about variant significance. To our knowledge, no occurrence of c.282_291delinsT in individuals affected with Hereditary Breast And Ovarian Cancer Syndrome and no experimental evidence demonstrating its impact on protein function have been reported. Five clinical diagnostic laboratories have submitted clinical-significance assessments for this variant to ClinVar after 2014 without evidence for independent evaluation. All laboratories classified the variant as uncertain significance. Based on the evidence outlined above, the variant was classified as uncertain significance.

Labcorp Genetics (formerly Invitae), Labcorp
Classification: Uncertain significance for Familial cancer of breast. Last evaluated: 2018-05-17. Review status: criteria provided, single submitter. Criteria: Invitae Variant Classification Sherloc (09022015). Collection method: clinical testing. Allele origin: germline.
Comment: This variant, c.282_291delinsT, is a complex sequence change that results in the deletion of 3 amino acids of the BARD1 protein (p.Leu95_Ile97del). This variant is not present in population databases (ExAC no frequency). This variant has not been reported in the literature in individuals with BARD1-related disease. ClinVar contains an entry for this variant (Variation ID: 421984). Experimental studies and prediction algorithms are not available for this variant, and the functional significance of the deleted amino acids is currently unknown. In summary, the available evidence is currently insufficient to determine the role of this variant in disease. Therefore, it has been classified as a Variant of Uncertain Significance.

PreventionGenetics, part of Exact Sciences
Classification: Uncertain significance. Last evaluated: 2017-08-24. Review status: criteria provided, single submitter. Criteria: ACMG Guidelines, 2015. Collection method: clinical testing. Allele origin: germline.

NM_000465.4(BARD1):c.282_291delinsT (p.Leu95_Ile97del)

Gene: BARD1 (BRCA1 associated RING domain 1; minus strand). Cytogenetic location: 2q35.
Variant type: Indel.
Coding change: c.282_291delinsT on transcript NM_000465.4 (MANE Select); coding-DNA positions 282 to 291, CTTGAAGATA replaced by T.
Protein change: p.Leu95_Ile97del.
Molecular consequence: inframe deletion. On other transcripts: non-coding transcript variant (1), intron variant (2).
Genome position (GRCh38, 1-based): chr2:214,792,370-214,792,379, TATCTTCAAG replaced by A on the plus strand (CTTGAAGATA replaced by T on the coding strand, the reverse complement: BARD1 is on the minus strand). VCF-style: chr2-214792370-TATCTTCAAG-A. GRCh37 (hg19) VCF-style: chr2-215657094-TATCTTCAAG-A.
Other names: c.225_234delinsT, p.Leu76_Ile78del (NM_001282543.2); c.282_291delinsT, p.Leu95_Ile97del (NM_001282549.2); c.158+17033_158+17042delinsT (NM_001282548.2); c.215+4682_215+4691delinsT (NM_001282545.2); c.282_291del10insT (NM_000465.2); c.282_291delinsT (NM_000465.2).
Identifiers: ClinVar variation 421984 (VCV000421984.18), dbSNP rs1064795485, ClinGen allele CA16617454.